The following is an entry in ClinVar:

ClinVar aggregate classification (germline): Uncertain significance. Review status: criteria provided, multiple submitters, no conflicts (2 of 4 stars). 2 submissions from 2 submitters: Uncertain significance (2). Last evaluated 2024-05-21.

Conditions:
Hereditary cancer-predisposing syndrome. Also called: Tumor predisposition; Hereditary neoplastic syndrome; Neoplastic Syndromes, Hereditary; Hereditary Cancer Syndrome. Identifiers: Orphanet 140162, MedGen C0027672, MeSH D009386, MONDO:0015356.
Cardiovascular phenotype. Identifiers: MedGen CN230736.
Neurofibromatosis, type 1 (NF1). Also called: Peripheral type neurofibromatosis; VON RECKLINGHAUSEN DISEASE; Neurofibromatosis, type I; NEUROFIBROMATOSIS, TYPE I, SOMATIC. Identifiers: Orphanet 636, MedGen C0027831, MONDO:0018975, OMIM 162200. Disease mechanism: loss of function.

Submissions (2):

Labcorp Genetics (formerly Invitae), Labcorp
Classification: Uncertain significance for Neurofibromatosis, type 1. Last evaluated: 2024-05-21. Review status: criteria provided, single submitter. Criteria: Invitae Variant Classification Sherloc (09022015). Collection method: clinical testing. Allele origin: germline.
Comment: This sequence change replaces tyrosine, which is neutral and polar, with phenylalanine, which is neutral and non-polar, at codon 1614 of the NF1 protein (p.Tyr1614Phe). This variant is not present in population databases (gnomAD no frequency). This variant has not been reported in the literature in individuals affected with NF1-related conditions. ClinVar contains an entry for this variant (Variation ID: 936824). Advanced modeling of protein sequence and biophysical properties (such as structural, functional, and spatial information, amino acid conservation, physicochemical variation, residue mobility, and thermodynamic stability) has been performed at Invitae for this missense variant, however the output from this modeling did not meet the statistical confidence thresholds required to predict the impact of this variant on NF1 protein function. In summary, the available evidence is currently insufficient to determine the role of this variant in disease. Therefore, it has been classified as a Variant of Uncertain Significance.

Ambry Genetics
Classification: Uncertain significance for Cardiovascular phenotype; Hereditary cancer-predisposing syndrome. Last evaluated: 2023-10-06. Review status: criteria provided, single submitter. Criteria: Ambry Variant Classification Scheme 2023. Collection method: clinical testing. Allele origin: germline.

NM_001042492.3(NF1):c.4904A>T (p.Tyr1635Phe)

Gene: NF1 (neurofibromin 1; plus strand). Cytogenetic location: 17q11.2.
Variant type: single nucleotide variant.
Coding change: c.4904A>T on transcript NM_001042492.3 (MANE Select); coding-DNA position 4904, A replaced by T.
Protein change: p.Tyr1635Phe; replaces tyrosine 1635 with phenylalanine.
Molecular consequence: missense variant.
Genome position (GRCh38, 1-based): chr17:31,325,888, A>T. VCF-style: chr17-31325888-A-T. GRCh37 (hg19) VCF-style: chr17-29652906-A-T.
Other names: c.4841A>T, p.Tyr1614Phe (NM_000267.4); short protein forms Y1614F, Y1635F.
Identifiers: ClinVar variation 936824 (VCV000936824.7), dbSNP rs786202866, ClinGen allele CA399007074.